The following is an entry in ClinVar:

NM_004982.4(KCNJ8):c.1176G>A (p.Met392Ile)

Genes: KCNJ8 (potassium inwardly rectifying channel subfamily J member 8; minus strand), KCNJ8-AS1 (KCNJ8 antisense RNA 1; plus strand). Cytogenetic location: 12p12.1.
Variant type: single nucleotide variant.
Coding change: c.1176G>A on transcript NM_004982.4 (MANE Select); coding-DNA position 1176, G replaced by A.
Protein change: p.Met392Ile; replaces methionine 392 with isoleucine.
Molecular consequence: missense variant.
Genome position (GRCh38, 1-based): chr12:21,765,822, C>T on the plus strand (G>A on the coding strand, the complement: KCNJ8 is on the minus strand). VCF-style: chr12-21765822-C-T. GRCh37 (hg19) VCF-style: chr12-21918756-C-T.
Other names: short protein forms M392I.
Identifiers: ClinVar variation 1037543 (VCV001037543.8), dbSNP rs1940604697, ClinGen allele CA384121382.

ClinVar aggregate classification (germline): Uncertain significance (1 of 4 stars; one submission).

Conditions:
Brugada syndrome. Also called: Sudden unexpected nocturnal death syndrome; Sudden unexplained nocturnal death syndrome; Sudden Unexplained Death Syndrome; Sudden Unexplained Nocturnal Death Syndrome (SUNDS). Identifiers: Orphanet 130, MedGen C1142166, MONDO:0015263.

Submission:

Labcorp Genetics (formerly Invitae), Labcorp
Classification: Uncertain significance for Brugada syndrome. Last evaluated: 2024-11-24. Review status: criteria provided, single submitter. Criteria: Invitae Variant Classification Sherloc (09022015). Collection method: clinical testing. Allele origin: germline.
Comment: This sequence change replaces methionine, which is neutral and non-polar, with isoleucine, which is neutral and non-polar, at codon 392 of the KCNJ8 protein (p.Met392Ile). This variant is not present in population databases (gnomAD no frequency). This variant has not been reported in the literature in individuals affected with KCNJ8-related conditions. ClinVar contains an entry for this variant (Variation ID: 1037543). Invitae Evidence Modeling of protein sequence and biophysical properties (such as structural, functional, and spatial information, amino acid conservation, physicochemical variation, residue mobility, and thermodynamic stability) indicates that this missense variant is not expected to disrupt KCNJ8 protein function with a negative predictive value of 95%. In summary, the available evidence is currently insufficient to determine the role of this variant in disease. Therefore, it has been classified as a Variant of Uncertain Significance.